The following is an entry in ClinVar:

NM_002439.5(MSH3):c.2708G>A (p.Ser903Asn)

Gene: MSH3 (mutS homolog 3; plus strand). Cytogenetic location: 5q14.1.
Variant type: single nucleotide variant.
Coding change: c.2708G>A on transcript NM_002439.5 (MANE Select); coding-DNA position 2708, G replaced by A.
Protein change: p.Ser903Asn; replaces serine 903 with asparagine.
Molecular consequence: missense variant.
Genome position (GRCh38, 1-based): chr5:80,813,636, G>A. VCF-style: chr5-80813636-G-A. GRCh37 (hg19) VCF-style: chr5-80109455-G-A.
Other names: c.2708G>A (NM_002439.3); short protein forms S903N.
Identifiers: ClinVar variation 2761029 (VCV002761029.4), dbSNP rs2112054268, ClinGen allele CA360273913.

ClinVar aggregate classification (germline): Uncertain significance. Review status: criteria provided, multiple submitters, no conflicts (2 of 4 stars). 2 submissions from 2 submitters: Uncertain significance (2). Last evaluated 2026-07-06.

Conditions:
Hereditary cancer-predisposing syndrome. Also called: Hereditary Cancer Syndrome; Hereditary neoplastic syndrome; Neoplastic Syndromes, Hereditary; Tumor predisposition. Identifiers: Orphanet 140162, MedGen C0027672, MeSH D009386, MONDO:0015356.

Submissions (2):

Ambry Genetics
Classification: Uncertain significance for Hereditary cancer-predisposing syndrome. Last evaluated: 2026-07-06. Review status: criteria provided, single submitter. Criteria: Ambry Variant Classification Scheme 2023. Collection method: clinical testing. Allele origin: germline.
Comment: The p.S903N variant (also known as c.2708G>A), located in coding exon 20 of the MSH3 gene, results from a G to A substitution at nucleotide position 2708. The serine at codon 903 is replaced by asparagine, an amino acid with highly similar properties. This amino acid position is conserved. In addition, this alteration is predicted to be deleterious by in silico analysis. Based on the available evidence, the clinical significance of this variant remains unclear.

Labcorp Genetics (formerly Invitae), Labcorp
Classification: Uncertain significance. Last evaluated: 2023-11-20. Review status: criteria provided, single submitter. Criteria: Invitae Variant Classification Sherloc (09022015). Collection method: clinical testing. Allele origin: germline.
Comment: This sequence change replaces serine, which is neutral and polar, with asparagine, which is neutral and polar, at codon 903 of the MSH3 protein (p.Ser903Asn). This variant is not present in population databases (gnomAD no frequency). This variant has not been reported in the literature in individuals affected with MSH3-related conditions. An algorithm developed to predict the effect of missense changes on protein structure and function (PolyPhen-2) suggests that this variant is likely to be disruptive. In summary, the available evidence is currently insufficient to determine the role of this variant in disease. Therefore, it has been classified as a Variant of Uncertain Significance.